The following is an entry in ClinVar:

ClinVar aggregate classification (germline): Uncertain significance (1 of 4 stars; one submission).

Submission:

Labcorp Genetics (formerly Invitae), Labcorp
Classification: Uncertain significance. Last evaluated: 2024-09-09. Review status: criteria provided, single submitter. Criteria: Invitae Variant Classification Sherloc (09022015). Collection method: clinical testing. Allele origin: germline.
Comment: This sequence change replaces alanine, which is neutral and non-polar, with valine, which is neutral and non-polar, at codon 1808 of the NYNRIN protein (p.Ala1808Val). This variant is present in population databases (rs769564116, gnomAD 0.003%). This variant has not been reported in the literature in individuals affected with NYNRIN-related conditions. An algorithm developed to predict the effect of missense changes on protein structure and function outputs the following: PolyPhen-2: "Not Available". The valine amino acid residue is found in multiple mammalian species, which suggests that this missense change does not adversely affect protein function. Algorithms developed to predict the effect of sequence changes on RNA splicing suggest that this variant may create or strengthen a splice site. In summary, the available evidence is currently insufficient to determine the role of this variant in disease. Therefore, it has been classified as a Variant of Uncertain Significance.

NM_025081.3(NYNRIN):c.5423C>T (p.Ala1808Val)

Gene: NYNRIN (NYN domain and retroviral integrase containing; plus strand). Cytogenetic location: 14q12.
Variant type: single nucleotide variant.
Coding change: c.5423C>T on transcript NM_025081.3 (MANE Select); coding-DNA position 5423, C replaced by T.
Protein change: p.Ala1808Val; replaces alanine 1808 with valine.
Molecular consequence: missense variant.
Genome position (GRCh38, 1-based): chr14:24,417,172, C>T. VCF-style: chr14-24417172-C-T. GRCh37 (hg19) VCF-style: chr14-24886378-C-T.
Other names: short protein forms A1808V.
Identifiers: ClinVar variation 3632193 (VCV003632193.2).